The following is an entry in ClinVar:

ClinVar aggregate classification (germline): Benign (1 of 4 stars; one submission).

Allele frequency attached by ClinVar (database versions not stated): 1000 Genomes Project 0.00120; TOPMed 0.00132; gnomAD 0.00133; 1000 Genomes Project 30x 0.00141; ExAC 0.00192.

Submission:

CeGaT Center for Human Genetics Tuebingen
Classification: Benign. Last evaluated: 2022-09-01. Review status: criteria provided, single submitter. Criteria: CeGaT Center For Human Genetics Tuebingen Variant Classification Criteria Version 2. Collection method: clinical testing. Allele origin: germline. Affected: yes. Observed: 2 variant alleles.
Comment: ASXL3: BS1, BS2

NM_030632.3(ASXL3):c.138-17969A>G

Gene: ASXL3 (ASXL transcriptional regulator 3; plus strand). Cytogenetic location: 18q12.1.
Variant type: single nucleotide variant.
Coding change: c.138-17969A>G on transcript NM_030632.3 (MANE Select); 17969 bases into the intron before coding-DNA position 138, A replaced by G.
Molecular consequence: intron variant.
Genome position (GRCh38, 1-based): chr18:33,626,925, A>G. VCF-style: chr18-33626925-A-G. GRCh37 (hg19) VCF-style: chr18-31206889-A-G.
Identifiers: ClinVar variation 2648637 (VCV002648637.24), dbSNP rs190074047, ClinGen allele CA8933469.
Genomic context (GRCh38, chr18:33,626,925, plus strand): 5'-GGTTTCAGACCCCGGCATGGCTTGGAGACAGCGTTGGTGTGTATGAAGGATCTTCCTCCA[A>G]TGAAGGATTTGGGACAACTTTCCATGATGATTATATTAGAGCCTCAGCTGCTTTCGTGTT-3'